The following is an entry in ClinVar:

ClinVar aggregate classification (germline): Conflicting classifications of pathogenicity. Review status: criteria provided, conflicting classifications (1 of 4 stars). 3 submissions from 3 submitters: Uncertain significance (2); Likely benign (1). Last evaluated 2023-03-23.

Conditions:
Hereditary cancer-predisposing syndrome. Also called: Neoplastic Syndromes, Hereditary; Hereditary Cancer Syndrome; Tumor predisposition; Hereditary neoplastic syndrome. Identifiers: Orphanet 140162, MedGen C0027672, MeSH D009386, MONDO:0015356.
Hereditary breast ovarian cancer syndrome. Also called: BRCA1- and BRCA2-Associated Hereditary Breast and Ovarian Cancer; Hereditary breast and ovarian cancer; Hereditary breast and/or ovarian cancer syndrome; Hereditary breast and ovarian cancer syndrome; Hereditary breast and ovarian cancer syndrome (HBOC); Breast and ovarian cancer. Identifiers: Orphanet 145, MedGen C0677776, MeSH D061325, MONDO:0003582. Disease mechanism: loss of function.

Submissions (3):

University of Washington Department of Laboratory Medicine, University of Washington
Classification: Likely benign for Hereditary cancer-predisposing syndrome. Last evaluated: 2023-03-23. Review status: criteria provided, single submitter. Criteria: Dines et al. (Genet Med. 2020). Collection method: curation. Allele origin: germline.
Comment: Missense variant in a coldspot region where missense variants are very unlikely to be pathogenic (PMID:31911673).

BRCA2 exon 11 coldspot. Reclassification based on statistical prior probability.

Labcorp Genetics (formerly Invitae), Labcorp
Classification: Uncertain significance for Hereditary breast ovarian cancer syndrome. Last evaluated: 2021-08-13. Review status: criteria provided, single submitter. Criteria: Invitae Variant Classification Sherloc (09022015). Collection method: clinical testing. Allele origin: germline.
Comment: This sequence change replaces glycine with serine at codon 998 of the BRCA2 protein (p.Gly998Ser). The glycine residue is weakly conserved and there is a small physicochemical difference between glycine and serine. This variant is not present in population databases (ExAC no frequency). This missense change has been observed in individual(s) with clinical features of BRCA2-related conditions (PMID: 21520333). Algorithms developed to predict the effect of missense changes on protein structure and function (SIFT, PolyPhen-2, Align-GVGD) all suggest that this variant is likely to be tolerated. In summary, the available evidence is currently insufficient to determine the role of this variant in disease. Therefore, it has been classified as a Variant of Uncertain Significance.

Ambry Genetics
Classification: Uncertain significance for Hereditary cancer-predisposing syndrome. Last evaluated: 2015-10-08. Review status: criteria provided, single submitter. Criteria: Ambry Variant Classification Scheme 2023. Collection method: clinical testing. Allele origin: germline.
Comment: The p.G998S variant (also known as c.2992G>A), located in coding exon 10 of the BRCA2 gene, results from a G to A substitution at nucleotide position 2992. The glycine at codon 998 is replaced by serine, an amino acid with similar properties. This variant was not reported in population based cohorts in the following databases: Database of Single Nucleotide Polymorphisms (dbSNP), NHLBI Exome Sequencing Project (ESP), and 1000 Genomes Project. In the ESP, this variant was not observed in 6498 samples (12996 alleles) with coverage at this position. To date, this alteration has been detected with an allele frequency of approximately 0.001% (greater than 225000 alleles tested) in our clinical cohort. This amino acid position is poorly conserved in available vertebrate species. In addition, this alteration is predicted to be tolerated by in silico analysis. Since supporting evidence for this variant is limited at this time, the clinical significance of p.G998S remains unclear.

Literature cited by the submitters: PubMed 21520333 (cited by Labcorp Genetics (formerly Invitae), Labcorp).

NM_000059.4(BRCA2):c.2992G>A (p.Gly998Ser)

Gene: BRCA2 (BRCA2 DNA repair associated; plus strand). Cytogenetic location: 13q13.1.
Variant type: single nucleotide variant.
Coding change: c.2992G>A on transcript NM_000059.4 (MANE Select); coding-DNA position 2992, G replaced by A.
Protein change: p.Gly998Ser; replaces glycine 998 with serine.
Molecular consequence: missense variant.
Genome position (GRCh38, 1-based): chr13:32,337,347, G>A. VCF-style: chr13-32337347-G-A. GRCh37 (hg19) VCF-style: chr13-32911484-G-A.
Other names: short protein forms G998S.
Identifiers: ClinVar variation 572500 (VCV000572500.9), dbSNP rs777615894, ClinGen allele CA387774612.